The following is an entry in ClinVar:

ClinVar aggregate classification (germline): Pathogenic (1 of 4 stars; one submission).

Conditions:
Venous malformation (VM). Identifiers: MedGen C2937220, HP:0012721. Disease mechanism: gain of function.

Submission:

Clinical Genomics Laboratory, Washington University in St. Louis
Classification: Pathogenic for Venous malformation. Last evaluated: 2025-06-13. Review status: criteria provided, single submitter. Criteria: Leon-Quintero et al. (Clin Genet. 2025). Collection method: clinical testing. Allele origin: somatic. Affected: yes.
Comment: A TEK c.2690A>T (p.Tyr897Phe) variant was identified at an allelic fraction consistent with somatic origin. This variant has been reported in multiple individuals affected with vascular malformations (Soblet J et al., PMID: 23801934; Nätynki M et al., PMID: 26319232; Ghasemi R et al., PMID: 39632338). This variant is absent from the general population (gnomAD v.4.1.0), indicating that it is not a common variant. Other variants in the same codon, c.2689T>C (p.Tyr897His), c.2690A>G (p.Tyr897Cys), have been reported in multiple individuals affected with venous malformations and are considered pathogenic (Cao Y et al., PMID: 39669237; Limaye N et al., PMID: 19079259; Limaye N et al., PMID: 26637981; Paolacci S et al., PMID: 33105631; Soblet J et al., PMID: 27519652; Soblet J et al., PMID: 23801934; Ten Broek RW et al., PMID: 30677207; Ye C et al., PMID: 21962923). The TEK c.2690A>G (p.Tyr897Phe) variant resides within the cytoplasmic kinase domain of TIE2, which is a critical functional domain (Shewchuk LM et al., PMID: 11080633). Computational predictors indicate that the variant is damaging, evidence that correlates with impact on TIE2 function. In support of this prediction, in vitro functional studies show that this variant increases protein turnover rate but reduces levels of plasma membrane-localized TIE2, causing a kinase activity-dependent loss of endothelial cobblestone morphology, an effect that is compounded in the presence of double variants (Nätynki M et al., PMID: 26319232). Based on an internally developed protocol informed by the ACMG/AMP guidelines (Leon-Quintero FZ, et al., PMID: 39434542) and gene-specific practices from the ClinGen Criteria Specification Registry, the TEK c.2690A>T (p.Tyr897Phe) variant is classified as pathogenic.

NM_000459.5(TEK):c.2690A>T (p.Tyr897Phe)

Gene: TEK (TEK receptor tyrosine kinase; plus strand). Cytogenetic location: 9p21.2.
Variant type: single nucleotide variant.
Coding change: c.2690A>T on transcript NM_000459.5 (MANE Select); coding-DNA position 2690, A replaced by T.
Protein change: p.Tyr897Phe; replaces tyrosine 897 with phenylalanine.
Molecular consequence: missense variant.
Genome position (GRCh38, 1-based): chr9:27,212,710, A>T. VCF-style: chr9-27212710-A-T. GRCh37 (hg19) VCF-style: chr9-27212708-A-T.
Other names: c.2561A>T, p.Tyr854Phe (NM_001290077.2); c.2246A>T, p.Tyr749Phe (NM_001290078.2); c.2687A>T, p.Tyr896Phe (NM_001375475.1); c.2558A>T, p.Tyr853Phe (NM_001375476.1); short protein forms Y749F, Y853F, Y854F, Y896F, Y897F.
Identifiers: ClinVar variation 4279984 (VCV004279984.1).